The following is an entry in ClinVar:

NM_017654.4(SAMD9):c.1997A>C (p.Glu666Ala)

Gene: SAMD9 (sterile alpha motif domain containing 9; minus strand). Cytogenetic location: 7q21.2.
Variant type: single nucleotide variant.
Coding change: c.1997A>C on transcript NM_017654.4 (MANE Select); coding-DNA position 1997, A replaced by C.
Protein change: p.Glu666Ala; replaces glutamic acid 666 with alanine.
Molecular consequence: missense variant.
Genome position (GRCh38, 1-based): chr7:93,104,101, T>G on the plus strand (A>C on the coding strand, the complement: SAMD9 is on the minus strand). VCF-style: chr7-93104101-T-G. GRCh37 (hg19) VCF-style: chr7-92733414-T-G.
Other names: c.1997A>C, p.Glu666Ala (NM_001193307.2); short protein forms E666A.
Identifiers: ClinVar variation 5028793 (VCV005028793.1).

ClinVar aggregate classification (germline): Uncertain significance (1 of 4 stars; one submission).

Conditions:
Inborn genetic diseases. Identifiers: MedGen C0950123, MeSH D030342.

Submission:

Ambry Genetics
Classification: Uncertain significance for Inborn genetic diseases. Last evaluated: 2026-08-18. Review status: criteria provided, single submitter. Criteria: Ambry Variant Classification Scheme 2023. Collection method: clinical testing. Allele origin: germline.
Comment: The p.E666A variant (also known as c.1997A>C), located in coding exon 1 of the SAMD9 gene, results from an A to C substitution at nucleotide position 1997. The glutamic acid at codon 666 is replaced by alanine, an amino acid with dissimilar properties. This amino acid position is conserved. In addition, this alteration is predicted to be tolerated by in silico analysis. Based on the available evidence, the clinical significance of this variant remains unclear.